The following is an entry in ClinVar:

NM_177438.3(DICER1):c.1202dup (p.Tyr401Ter)

Gene: DICER1 (dicer 1, ribonuclease III; minus strand). Cytogenetic location: 14q32.13.
Variant type: Duplication.
Coding change: c.1202dup on transcript NM_177438.3 (MANE Select); coding-DNA position 1202, one base duplicated (A; older notation c.1202dupA).
Protein change: p.Tyr401Ter; replaces tyrosine 401 with a stop codon.
Molecular consequence: nonsense.
Genome position (GRCh38, 1-based): chr14:95,124,370, T duplicated on the plus strand (A on the coding strand, the reverse complement: DICER1 is on the minus strand). VCF-style (leftmost placement, unchanged base first): chr14-95124369-A-AT. GRCh37 (hg19) VCF-style: chr14-95590706-A-AT.
Other names: c.1202dupA (NM_177438.2); c.1202dup, p.Tyr401Ter (NM_001195573.1, NM_001271282.3, NM_001291628.2 and 1 more transcripts); short protein forms Y401*.
Identifiers: ClinVar variation 254285 (VCV000254285.4), dbSNP rs886037669, ClinGen allele CA10586460.

ClinVar aggregate classification (germline): Pathogenic. Review status: criteria provided, multiple submitters, no conflicts (2 of 4 stars). 2 submissions from 2 submitters: Pathogenic (2). Last evaluated 2019-07-01.

Conditions:
DICER1-related tumor predisposition. Also called: DICER1 syndrome; DICER1-related pleuropulmonary blastoma cancer predisposition syndrome. Identifiers: Orphanet 284343, MedGen C3839822, MONDO:0100216.

Submissions (2):

Foulkes Cancer Genetics LDI, Lady Davis Institute for Medical Research
Classification: Pathogenic for Pleuropulmonary blastoma. Last evaluated: 2019-07-01. Review status: criteria provided, single submitter. Criteria: ACMG Guidelines, 2015. Collection method: curation. Allele origin: germline. Affected: yes. Observed: 2 variant alleles.
Comment: ACMG criteria met: PVS1, PM2, PP4

International Pleuropulmonary Blastoma Registry, Children's Hospitals and Clinics of Minnesota
Classification: Pathogenic for Pleuropulmonary blastoma. Last evaluated: 2014-11-10. Review status: criteria provided, single submitter. Criteria: Hill et al. (Science. 2009). Collection method: clinical testing. Allele origin: germline. Affected: yes. Study: PPB-DICER1 Genetic study.

Literature cited by the submitters: PubMed 26925222 (cited by Foulkes Cancer Genetics LDI, Lady Davis Institute for Medical Research and International Pleuropulmonary Blastoma Registry, Children's Hospitals and Clinics of Minnesota).